The following is an entry in ClinVar:

NM_005554.4(KRT6A):c.1449A>G (p.Gln483=)

Gene: KRT6A (keratin 6A; minus strand). Cytogenetic location: 12q13.13.
Variant type: single nucleotide variant.
Coding change: c.1449A>G on transcript NM_005554.4 (MANE Select); coding-DNA position 1449, A replaced by G.
Protein change: p.Gln483=; no amino-acid change (glutamine 483 retained).
Molecular consequence: synonymous variant.
Genome position (GRCh38, 1-based): chr12:52,488,079, T>C on the plus strand (A>G on the coding strand, the complement: KRT6A is on the minus strand). VCF-style: chr12-52488079-T-C. GRCh37 (hg19) VCF-style: chr12-52881863-T-C.
Other names: c.1449A>G (NM_005554.3).
Identifiers: ClinVar variation 1012820 (VCV001012820.42), dbSNP rs372218481, ClinGen allele CA6581823.
Genomic context (GRCh38, chr12:52,488,079, plus strand): 5'-CAGTCAGAAGAGTGCGAGGGCAGGGGAGGAAGGCAAGCAAAGGTACTTACAGATGTTGAC[T>C]TGTCCAACGCCTTCGCCATTCAGCCTGTGGAGAGGAACACAGGGAGGGTGAGACCTCAGA-3'
Protein context (NP_005545.1, residues 473-493): ECRLNGEGVG[Gln483=]VNISVVQSTV

ClinVar aggregate classification (germline): Likely benign. Review status: criteria provided, multiple submitters, no conflicts (2 of 4 stars). 3 submissions from 3 submitters: Likely benign (2). 1 of the submissions does not count toward it. Last evaluated 2025-03-27.

Conditions:
KRT6A-related disorder. Also called: KRT6A-related condition.

Allele frequency attached by ClinVar (database versions not stated): gnomAD 0.00009 and 0.00011; gnomAD exomes 0.00012 and 0.00017; 1000 Genomes Project 30x 0.00016; ExAC 0.00016; TOPMed 0.00017; 1000 Genomes Project 0.00020; ESP Exome Variant Server 0.00031.
gnomAD v4.1: 193 of 1,613,988 alleles (0.012%); highest among the groups gnomAD compares: Admixed American, 0.042%; 1 homozygote.

Submissions (3):

Labcorp Genetics (formerly Invitae), Labcorp
Classification: Likely benign. Last evaluated: 2025-03-27. Review status: criteria provided, single submitter. Criteria: Invitae Variant Classification Sherloc (09022015). Collection method: clinical testing. Allele origin: germline.

CeGaT Center for Human Genetics Tuebingen
Classification: Likely benign. Last evaluated: 2020-12-01. Review status: criteria provided, single submitter. Criteria: CeGaT Center For Human Genetics Tuebingen Variant Classification Criteria Version 2. Collection method: clinical testing. Allele origin: germline. Affected: yes. Observed: 1 variant allele.

PreventionGenetics, part of Exact Sciences
Classification: Likely benign for KRT6A-related condition. Last evaluated: 2019-06-25. Review status: no assertion criteria provided. Collection method: clinical testing. Allele origin: germline. Not counted in ClinVar's aggregate classification.
Comment: This variant is classified as likely benign based on ACMG/AMP sequence variant interpretation guidelines (Richards et al. 2015 PMID: 25741868, with internal and published modifications).